The following is an entry in ClinVar:

NM_004606.5(TAF1):c.638C>T (p.Ala213Val)

Gene: TAF1 (TATA-box binding protein associated factor 1; plus strand). Cytogenetic location: Xq13.1.
Variant type: single nucleotide variant.
Coding change: c.638C>T on transcript NM_004606.5 (MANE Select); coding-DNA position 638, C replaced by T.
Protein change: p.Ala213Val; replaces alanine 213 with valine.
Molecular consequence: missense variant. On other transcripts: non-coding transcript variant (9).
Genome position (GRCh38, 1-based): chrX:71,377,115, C>T. VCF-style: chrX-71377115-C-T. GRCh37 (hg19) VCF-style: chrX-70596965-C-T.
Other names: c.638C>T, p.Ala213Val (NM_001286074.2, NM_001440852.1, NM_001440853.1); c.575C>T, p.Ala192Val (NM_001440854.1, NM_138923.4); short protein forms A192V, A213V.
Identifiers: ClinVar variation 4074630 (VCV004074630.1).

ClinVar aggregate classification (germline): Uncertain significance (1 of 4 stars; one submission).

Submission:

GeneDx
Classification: Uncertain significance. Last evaluated: 2025-02-06. Review status: criteria provided, single submitter. Criteria: GeneDx Variant Classification Process June 2021. Collection method: clinical testing. Allele origin: germline. Affected: yes.
Comment: Not observed at significant frequency in large population cohorts (gnomAD); In silico analysis supports that this missense variant has a deleterious effect on protein structure/function; Has not been previously published as pathogenic or benign to our knowledge